The following is an entry in ClinVar:

ClinVar aggregate classification (germline): Uncertain significance (1 of 4 stars; one submission).

Conditions:
Zellweger spectrum disorders (ZS). Also called: Zellweger Spectrum Disorder; Zellweger Spectrum; Zellweger syndrome; Zellweger Spectrum Disorder (ZSD). Identifiers: Orphanet 912, MedGen C0043459, MONDO:0019609.

Submission:

Labcorp Genetics (formerly Invitae), Labcorp
Classification: Uncertain significance for Zellweger spectrum disorders. Last evaluated: 2026-01-20. Review status: criteria provided, single submitter. Criteria: Invitae Variant Classification Sherloc (09022015). Collection method: clinical testing. Allele origin: germline.
Comment: This sequence change replaces leucine, which is neutral and non-polar, with valine, which is neutral and non-polar, at codon 831 of the PEX1 protein (p.Leu831Val). This variant is not present in population databases (gnomAD no frequency). This variant has not been reported in the literature in individuals affected with PEX1-related conditions. Invitae Evidence Modeling of protein sequence and biophysical properties (such as structural, functional, and spatial information, amino acid conservation, physicochemical variation, residue mobility, and thermodynamic stability) has been performed for this missense variant. However, the output from this modeling did not meet the statistical confidence thresholds required to predict the impact of this variant on PEX1 protein function. In summary, the available evidence is currently insufficient to determine the role of this variant in disease. Therefore, it has been classified as a Variant of Uncertain Significance.

NM_000466.3(PEX1):c.2491C>G (p.Leu831Val)

Gene: PEX1 (peroxisomal biogenesis factor 1; minus strand). Cytogenetic location: 7q21.2.
Variant type: single nucleotide variant.
Coding change: c.2491C>G on transcript NM_000466.3 (MANE Select); coding-DNA position 2491, C replaced by G.
Protein change: p.Leu831Val; replaces leucine 831 with valine.
Molecular consequence: missense variant.
Genome position (GRCh38, 1-based): chr7:92,501,599, G>C on the plus strand (C>G on the coding strand, the complement: PEX1 is on the minus strand). VCF-style: chr7-92501599-G-C. GRCh37 (hg19) VCF-style: chr7-92130913-G-C.
Other names: c.2320C>G, p.Leu774Val (NM_001282677.2); c.1867C>G, p.Leu623Val (NM_001282678.2); short protein forms L831V, L774V, L623V.
Identifiers: ClinVar variation 4693999 (VCV004693999.1).